The following is an entry in ClinVar:

ClinVar aggregate classification (germline): Pathogenic. Review status: criteria provided, multiple submitters, no conflicts (2 of 4 stars). 3 submissions from 3 submitters: Pathogenic (2). 1 of the submissions does not count toward it. Last evaluated 2024-08-19.

Conditions:
Hereditary cancer-predisposing syndrome. Also called: Neoplastic Syndromes, Hereditary; Hereditary neoplastic syndrome; Hereditary Cancer Syndrome; Tumor predisposition. Identifiers: Orphanet 140162, MedGen C0027672, MeSH D009386, MONDO:0015356.
Familial cancer of breast. Also called: hereditary breast carcinoma; Hereditary breast cancer; BREAST CANCER, FAMILIAL. Identifiers: Orphanet 227535, MedGen C0346153, MONDO:0016419, OMIM 114480. Disease mechanism: loss of function.
Ataxia-telangiectasia syndrome (AT). Also called: ATAXIA-TELANGIECTASIA, FRESNO VARIANT; Ataxia-telangiectasia, complementation group D; Cerebello-oculocutaneous telangiectasia; Immunodeficiency with ataxia telangiectasia; Ataxia-telangiectasia; Ataxia telangiectasia (A-T). Identifiers: Orphanet 100, MedGen C0004135, MONDO:0008840, OMIM 208900.

Allele frequency attached by ClinVar (database versions not stated): gnomAD exomes below 0.00001.

Submissions (3):

Labcorp Genetics (formerly Invitae), Labcorp
Classification: Pathogenic for Ataxia-telangiectasia syndrome. Last evaluated: 2024-08-19. Review status: criteria provided, single submitter. Criteria: Invitae Variant Classification Sherloc (09022015). Collection method: clinical testing. Allele origin: germline.
Comment: This sequence change creates a premature translational stop signal (p.Ser310Ilefs*10) in the ATM gene. It is expected to result in an absent or disrupted protein product. Loss-of-function variants in ATM are known to be pathogenic (PMID: 23807571, 25614872). This variant is not present in population databases (gnomAD no frequency). This variant has not been reported in the literature in individuals affected with ATM-related conditions. ClinVar contains an entry for this variant (Variation ID: 653634). For these reasons, this variant has been classified as Pathogenic.

Ambry Genetics
Classification: Pathogenic for Hereditary cancer-predisposing syndrome. Last evaluated: 2020-02-07. Review status: criteria provided, single submitter. Criteria: Ambry Variant Classification Scheme 2023. Collection method: clinical testing. Allele origin: germline.
Comment: The c.929delG pathogenic mutation, located in coding exon 7 of the ATM gene, results from a deletion of one nucleotide at nucleotide position 929, causing a translational frameshift with a predicted alternate stop codon (p.S310Ifs*10). This variant was not reported in population-based cohorts in the Genome Aggregation Database (gnomAD). This alteration is expected to result in loss of function by premature protein truncation or nonsense-mediated mRNA decay. As such, this alteration is interpreted as a disease-causing mutation.

BRCAlab, Lund University
Classification: Pathogenic for Familial cancer of breast. Last evaluated: 2022-08-26. Review status: no assertion criteria provided. Collection method: clinical testing. Allele origin: germline. Affected: yes. Not counted in ClinVar's aggregate classification.

Literature cited by the submitters: PubMed 23807571 (cited by Labcorp Genetics (formerly Invitae), Labcorp); PubMed 25614872 (cited by Labcorp Genetics (formerly Invitae), Labcorp).

NM_000051.4(ATM):c.929del (p.Ser310fs)

Gene: ATM (ATM serine/threonine kinase; plus strand). Cytogenetic location: 11q22.3.
Variant type: Deletion.
Coding change: c.929del on transcript NM_000051.4 (MANE Select); coding-DNA position 929, one base deleted (G; older notation c.929delG).
Protein change: p.Ser310fs; shifts the reading frame from serine 310.
Molecular consequence: frameshift variant.
Genome position (GRCh38, 1-based): chr11:108,246,991, G deleted. VCF-style (leftmost placement, unchanged base first): chr11-108246990-AG-A. GRCh37 (hg19) VCF-style: chr11-108117717-AG-A.
Other names: c.929del, p.Ser310fs (NM_001351834.2); c.929delG (NM_000051.3); short protein forms S310fs.
Identifiers: ClinVar variation 653634 (VCV000653634.27), dbSNP rs1591510597, ClinGen allele CA915947727.